The following is an entry in ClinVar:

ClinVar aggregate classification (germline): Uncertain significance (1 of 4 stars; one submission).

Conditions:
NPHP1-related disorder. Also called: NPHP1-related disorders; NPHP1-related condition.

Submission:

PreventionGenetics, part of Exact Sciences
Classification: Uncertain significance for NPHP1-related condition. Last evaluated: 2024-11-27. Review status: criteria provided, single submitter. Criteria: ACMG Guidelines, 2015. Collection method: clinical testing. Allele origin: germline.
Comment: The NPHP1 c.179A>G variant is predicted to result in the amino acid substitution p.Lys60Arg. To our knowledge, this variant has not been reported in the literature or in a large population database (gnomAD), indicating this variant is rare. At this time, the clinical significance of this variant is uncertain due to the absence of conclusive functional and genetic evidence.

NM_001128178.3(NPHP1):c.179A>G (p.Lys60Arg)

Gene: NPHP1 (nephrocystin 1; minus strand). Cytogenetic location: 2q13.
Variant type: single nucleotide variant.
Coding change: c.179A>G on transcript NM_001128178.3 (MANE Select); coding-DNA position 179, A replaced by G.
Protein change: p.Lys60Arg; replaces lysine 60 with arginine.
Molecular consequence: missense variant. On other transcripts: intron variant (1).
Genome position (GRCh38, 1-based): chr2:110,179,649, T>C on the plus strand (A>G on the coding strand, the complement: NPHP1 is on the minus strand). VCF-style: chr2-110179649-T-C. GRCh37 (hg19) VCF-style: chr2-110937226-T-C.
Other names: c.179A>G, p.Lys60Arg (NM_000272.5, NM_001374256.1, NM_001374257.1 and 1 more transcripts); c.144-9651A>G (NM_001128179.3); short protein forms K60R.
Identifiers: ClinVar variation 4997137 (VCV004997137.1).